The following is an entry in ClinVar:

NM_001367479.1(DNAH14):c.12914C>A (p.Thr4305Asn)

Gene: DNAH14 (dynein axonemal heavy chain 14; plus strand). Cytogenetic location: 1q42.12.
Variant type: single nucleotide variant.
Coding change: c.12914C>A on transcript NM_001367479.1 (MANE Select); coding-DNA position 12914, C replaced by A.
Protein change: p.Thr4305Asn; replaces threonine 4305 with asparagine.
Molecular consequence: missense variant.
Genome position (GRCh38, 1-based): chr1:225,381,416, C>A. VCF-style: chr1-225381416-C-A. GRCh37 (hg19) VCF-style: chr1-225569118-C-A.
Other names: short protein forms T4305N.
Identifiers: ClinVar variation 4879518 (VCV004879518.1).

ClinVar aggregate classification (germline): Uncertain significance (1 of 4 stars; one submission).

gnomAD v4.1: 153 of 1,549,984 alleles (0.0099%); highest among the groups gnomAD compares: Non-Finnish European, 0.013%; no homozygotes.

Submission:

Clinical Genomics Laboratory, Washington University in St. Louis
Classification: Uncertain significance. Last evaluated: 2026-04-20. Review status: criteria provided, single submitter. Criteria: ACMG Guidelines, 2015. Collection method: clinical testing. Allele origin: germline.
Comment: The DNAH14 c.12914C>A (p.Thr4305Asn) variant, to our knowledge, has not been reported in the medical literature. The highest population minor allele frequency in the population database genome aggregation database (v.4.1.0) is 0.01% in the European non-Finnish population. Computational predictors suggest that the variant does not impact DNAH14 function. Due to limited information, the clinical significance of this variant is uncertain.